The following is an entry in ClinVar:

ClinVar aggregate classification (germline): Uncertain significance. Review status: criteria provided, multiple submitters, no conflicts (2 of 4 stars). 2 submissions from 2 submitters: Uncertain significance (2). Last evaluated 2026-01-06.

Conditions:
Developmental and epileptic encephalopathy, 36 (DEE36). Also called: Epileptic encephalopathy, early infantile, 36; ALG13-CDG; Congenital disorder of glycosylation, type Is. Identifiers: Orphanet 324422, MedGen C4317295, MONDO:0010472, OMIM 300884.

Submissions (2):

GeneDx
Classification: Uncertain significance. Last evaluated: 2026-01-06. Review status: criteria provided, single submitter. Criteria: GeneDx Variant Classification Process June 2021. Collection method: clinical testing. Allele origin: germline.
Comment: Not observed at significant frequency in large population cohorts (gnomAD); In silico analysis suggests that this missense variant does not alter protein structure/function; Has not been previously published as pathogenic or benign to our knowledge

Labcorp Genetics (formerly Invitae), Labcorp
Classification: Uncertain significance for Developmental and epileptic encephalopathy, 36. Last evaluated: 2023-11-08. Review status: criteria provided, single submitter. Criteria: Invitae Variant Classification Sherloc (09022015). Collection method: clinical testing. Allele origin: germline.
Comment: This sequence change replaces alanine, which is neutral and non-polar, with serine, which is neutral and polar, at codon 800 of the ALG13 protein (p.Ala800Ser). This variant is not present in population databases (gnomAD no frequency). This variant has not been reported in the literature in individuals affected with ALG13-related conditions. ClinVar contains an entry for this variant (Variation ID: 1903063). Advanced modeling of protein sequence and biophysical properties (such as structural, functional, and spatial information, amino acid conservation, physicochemical variation, residue mobility, and thermodynamic stability) performed at Invitae indicates that this missense variant is not expected to disrupt ALG13 protein function with a negative predictive value of 80%. In summary, the available evidence is currently insufficient to determine the role of this variant in disease. Therefore, it has been classified as a Variant of Uncertain Significance.

NM_001099922.3(ALG13):c.2398G>T (p.Ala800Ser)

Gene: ALG13 (ALG13 UDP-N-acetylglucosaminyltransferase subunit; plus strand). Cytogenetic location: Xq23.
Variant type: single nucleotide variant.
Coding change: c.2398G>T on transcript NM_001099922.3 (MANE Select); coding-DNA position 2398, G replaced by T.
Protein change: p.Ala800Ser; replaces alanine 800 with serine.
Molecular consequence: missense variant. On other transcripts: non-coding transcript variant (1).
Genome position (GRCh38, 1-based): chrX:111,730,424, G>T. VCF-style: chrX-111730424-G-T. GRCh37 (hg19) VCF-style: chrX-110973652-G-T.
Other names: c.2086G>T, p.Ala696Ser (NM_001257230.2, NM_001257234.2, NM_001257237.2); c.2164G>T, p.Ala722Ser (NM_001257231.2); c.2398G>T, p.Ala800Ser (NM_001324292.2); c.1912G>T, p.Ala638Ser (NM_001324293.1); short protein forms A722S, A800S, A696S, A638S.
Identifiers: ClinVar variation 1903063 (VCV001903063.7), dbSNP rs2526016345, ClinGen allele CA414253964.